The following is an entry in ClinVar:

NM_004006.3(DMD):c.4344+6T>A

Gene: DMD (dystrophin; minus strand). Cytogenetic location: Xp21.1.
Variant type: single nucleotide variant.
Coding change: c.4344+6T>A on transcript NM_004006.3 (MANE Select); 6 bases into the intron after coding-DNA position 4344, T replaced by A.
Molecular consequence: intron variant.
Genome position (GRCh38, 1-based): chrX:32,390,065, A>T on the plus strand (T>A on the coding strand, the complement: DMD is on the minus strand). VCF-style: chrX-32390065-A-T. GRCh37 (hg19) VCF-style: chrX-32408182-A-T.
Other names: c.4320+6T>A (NM_000109.4); c.321+6T>A (NM_004011.4); c.312+6T>A (NM_004012.4); c.4332+6T>A (NM_004009.3); c.3975+6T>A (NM_004010.3).
Identifiers: ClinVar variation 2003721 (VCV002003721.4), dbSNP rs2523131356, ClinGen allele CA2580100735.

ClinVar aggregate classification (germline): Uncertain significance (1 of 4 stars; one submission).

Conditions:
Duchenne muscular dystrophy (DMD). Also called: MUSCULAR DYSTROPHY, PSEUDOHYPERTROPHIC PROGRESSIVE, DUCHENNE TYPE; Duchenne Muscular Dystrophy (DMD). Identifiers: Orphanet 98896, MedGen C0013264, MONDO:0010679, OMIM 310200.

Submission:

Labcorp Genetics (formerly Invitae), Labcorp
Classification: Uncertain significance for Duchenne muscular dystrophy. Last evaluated: 2022-06-09. Review status: criteria provided, single submitter. Criteria: Invitae Variant Classification Sherloc (09022015). Collection method: clinical testing. Allele origin: germline.
Comment: In summary, the available evidence is currently insufficient to determine the role of this variant in disease. Therefore, it has been classified as a Variant of Uncertain Significance. Variants that disrupt the consensus splice site are a relatively common cause of aberrant splicing (PMID: 17576681, 9536098). Algorithms developed to predict the effect of sequence changes on RNA splicing suggest that this variant is not likely to affect RNA splicing. This variant has not been reported in the literature in individuals affected with DMD-related conditions. This variant is not present in population databases (gnomAD no frequency). This sequence change falls in intron 31 of the DMD gene. It does not directly change the encoded amino acid sequence of the DMD protein. It affects a nucleotide within the consensus splice site.

Literature cited by the submitters: PubMed 17576681; PubMed 9536098.